The following is an entry in ClinVar:

ClinVar aggregate classification (germline): Uncertain significance. Review status: criteria provided, multiple submitters, no conflicts (2 of 4 stars). 3 submissions from 3 submitters: Uncertain significance (3). Last evaluated 2025-11-20.

Conditions:
Inborn genetic diseases. Identifiers: MedGen C0950123, MeSH D030342.

Allele frequency attached by ClinVar (database versions not stated): ExAC 0.00001; gnomAD exomes 0.00003 and 0.00002; TOPMed 0.00008; gnomAD 0.00010 and 0.00009.
gnomAD v4.1: 38 of 1,610,194 alleles (0.0024%); highest among the groups gnomAD compares: African/African-American, 0.025%; no homozygotes.

Submissions (3):

Ambry Genetics
Classification: Uncertain significance for Inborn genetic diseases. Last evaluated: 2025-11-20. Review status: criteria provided, single submitter. Criteria: Ambry Variant Classification Scheme 2023. Collection method: clinical testing. Allele origin: germline.

Labcorp Genetics (formerly Invitae), Labcorp
Classification: Uncertain significance. Last evaluated: 2020-05-13. Review status: criteria provided, single submitter. Criteria: Invitae Variant Classification Sherloc (09022015). Collection method: clinical testing. Allele origin: germline.
Comment: This sequence change replaces arginine with histidine at codon 3916 of the HSPG2 protein (p.Arg3916His). The arginine residue is weakly conserved and there is a small physicochemical difference between arginine and histidine. This variant is present in population databases (rs755517557, ExAC 0.002%). This variant has not been reported in the literature in individuals with HSPG2-related conditions. Algorithms developed to predict the effect of missense changes on protein structure and function are either unavailable or do not agree on the potential impact of this missense change (SIFT: "Tolerated"; PolyPhen-2: "Probably Damaging"; Align-GVGD: "Class C0"). In summary, the available evidence is currently insufficient to determine the role of this variant in disease. Therefore, it has been classified as a Variant of Uncertain Significance.

Breakthrough Genomics
Classification: Uncertain significance. Review status: criteria provided, single submitter. Criteria: ACMG Guidelines, 2015. Collection method: not provided. Allele origin: germline. Inheritance: Autosomal recessive inheritance. Affected: yes.

NM_005529.7(HSPG2):c.11747G>A (p.Arg3916His)

Gene: HSPG2 (heparan sulfate proteoglycan 2; minus strand). Cytogenetic location: 1p36.12.
Variant type: single nucleotide variant.
Coding change: c.11747G>A on transcript NM_005529.7 (MANE Select); coding-DNA position 11747, G replaced by A.
Protein change: p.Arg3916His; replaces arginine 3916 with histidine.
Molecular consequence: missense variant.
Genome position (GRCh38, 1-based): chr1:21,830,016, C>T on the plus strand (G>A on the coding strand, the complement: HSPG2 is on the minus strand). VCF-style: chr1-21830016-C-T. GRCh37 (hg19) VCF-style: chr1-22156509-C-T.
Other names: c.11747G>A (NM_005529.5); c.11750G>A, p.Arg3917His (NM_001291860.2); short protein forms R3916H, R3917H.
Identifiers: ClinVar variation 1047696 (VCV001047696.9), dbSNP rs755517557, ClinGen allele CA669650.